The following is an entry in ClinVar:

ClinVar aggregate classification (germline): Uncertain significance (1 of 4 stars; one submission).

gnomAD v4.1: 7 of 1,613,866 alleles (0.00043%); highest among the groups gnomAD compares: Middle Eastern, 0.066%; no homozygotes.

Submission:

CeGaT Center for Human Genetics Tuebingen
Classification: Uncertain significance. Last evaluated: 2024-02-01. Review status: criteria provided, single submitter. Criteria: CeGaT Center For Human Genetics Tuebingen Variant Classification Criteria Version 2. Collection method: clinical testing. Allele origin: germline. Affected: yes. Observed: 1 variant allele.
Comment: CEP135: PM2:Supporting, BP4

NM_025009.5(CEP135):c.620A>G (p.Gln207Arg)

Gene: CEP135 (centrosomal protein 135; plus strand). Cytogenetic location: 4q12.
Variant type: single nucleotide variant.
Coding change: c.620A>G on transcript NM_025009.5 (MANE Select); coding-DNA position 620, A replaced by G.
Protein change: p.Gln207Arg; replaces glutamine 207 with arginine.
Molecular consequence: missense variant.
Genome position (GRCh38, 1-based): chr4:55,959,687, A>G. VCF-style: chr4-55959687-A-G. GRCh37 (hg19) VCF-style: chr4-56825853-A-G.
Other names: short protein forms Q207R.
Identifiers: ClinVar variation 3025713 (VCV003025713.22), dbSNP rs138715248, ClinGen allele CA2927613.